The following is an entry in ClinVar:

NM_000693.4(ALDH1A3):c.1134G>A (p.Lys378=)

Genes: ALDH1A3 (aldehyde dehydrogenase 1 family member A3; plus strand), ALDH1A3-AS1 (ALDH1A3 antisense RNA 1; minus strand). Cytogenetic location: 15q26.3.
Variant type: single nucleotide variant.
Coding change: c.1134G>A on transcript NM_000693.4 (MANE Select); coding-DNA position 1134, G replaced by A.
Protein change: p.Lys378=; no amino-acid change (lysine 378 retained).
Molecular consequence: synonymous variant.
Genome position (GRCh38, 1-based): chr15:100,905,588, G>A. VCF-style: chr15-100905588-G-A. GRCh37 (hg19) VCF-style: chr15-101445793-G-A.
Other names: c.813G>A, p.Lys271= (NM_001293815.2).
Identifiers: ClinVar variation 707056 (VCV000707056.34), dbSNP rs112582857, ClinGen allele CA7760295.
Genomic context (GRCh38, chr15:100,905,588, plus strand): 5'-TCAAAAGCAGTTCGACAAAATCTTAGAGCTGATCGAGAGTGGGAAGAAGGAAGGGGCCAA[G>A]CTGGAATGCGGGGGCTCAGCCATGGAAGACAAGGGGCTCTTCATCAAACCCACTGTCTTC-3'
Protein context (NP_000684.2, residues 368-388): LIESGKKEGA[Lys378=]LECGGSAMED

ClinVar aggregate classification (germline): Benign/Likely benign. Review status: criteria provided, multiple submitters, no conflicts (2 of 4 stars). 4 submissions from 4 submitters: Benign (2); Likely benign (1). 1 of the submissions does not count toward it. Last evaluated 2026-01-26.

Conditions:
ALDH1A3-related disorder. Also called: ALDH1A3-related condition.
Isolated microphthalmia 8. Identifiers: Orphanet 2542, MedGen C3554524, MONDO:0014050, OMIM 615113.

Allele frequency attached by ClinVar (database versions not stated): 1000 Genomes Project 0.00040; 1000 Genomes Project 30x 0.00047; gnomAD 0.00099 and 0.00101; ESP Exome Variant Server 0.00123; TOPMed 0.00132; ExAC 0.00146; gnomAD exomes 0.00191.
gnomAD v4.1: 1,756 of 1,614,152 alleles (0.11%); highest among the groups gnomAD compares: Middle Eastern, 0.61%; 13 homozygotes.

Submissions (4):

Labcorp Genetics (formerly Invitae), Labcorp
Classification: Benign for Isolated microphthalmia 8. Last evaluated: 2026-01-26. Review status: criteria provided, single submitter. Criteria: Invitae Variant Classification Sherloc (09022015). Collection method: clinical testing. Allele origin: germline.

CeGaT Center for Human Genetics Tuebingen
Classification: Likely benign. Last evaluated: 2023-02-01. Review status: criteria provided, single submitter. Criteria: CeGaT Center For Human Genetics Tuebingen Variant Classification Criteria Version 2. Collection method: clinical testing. Allele origin: germline. Affected: yes. Observed: 3 variant alleles.
Comment: ALDH1A3: BP4, BP7

Breakthrough Genomics
Classification: Benign. Review status: criteria provided, single submitter. Criteria: ACMG Guidelines, 2015. Collection method: not provided. Allele origin: germline. Inheritance: Autosomal recessive inheritance. Affected: yes.

PreventionGenetics, part of Exact Sciences
Classification: Likely benign for ALDH1A3-related condition. Last evaluated: 2023-12-04. Review status: no assertion criteria provided. Collection method: clinical testing. Allele origin: germline. Not counted in ClinVar's aggregate classification.
Comment: This variant is classified as likely benign based on ACMG/AMP sequence variant interpretation guidelines (Richards et al. 2015 PMID: 25741868, with internal and published modifications).